The following is an entry in ClinVar:

ClinVar aggregate classification (germline): Uncertain significance. Review status: criteria provided, multiple submitters, no conflicts (2 of 4 stars). 2 submissions from 2 submitters: Uncertain significance (2). Last evaluated 2024-03-17.

Conditions:
Hereditary cancer-predisposing syndrome. Also called: Hereditary neoplastic syndrome; Neoplastic Syndromes, Hereditary; Tumor predisposition; Hereditary Cancer Syndrome. Identifiers: Orphanet 140162, MedGen C0027672, MeSH D009386, MONDO:0015356.
Ataxia-telangiectasia syndrome (AT). Also called: Ataxia telangiectasia (A-T); LOUIS-BAR SYNDROME; Cerebello-oculocutaneous telangiectasia; Immunodeficiency with ataxia telangiectasia; Ataxia-telangiectasia, complementation group D; AT, COMPLEMENTATION GROUP C. Identifiers: Orphanet 100, MedGen C0004135, MONDO:0008840, OMIM 208900.

Submissions (2):

Labcorp Genetics (formerly Invitae), Labcorp
Classification: Uncertain significance for Ataxia-telangiectasia syndrome. Last evaluated: 2024-03-17. Review status: criteria provided, single submitter. Criteria: Invitae Variant Classification Sherloc (09022015). Collection method: clinical testing. Allele origin: germline.
Comment: This sequence change replaces glutamine, which is neutral and polar, with glutamic acid, which is acidic and polar, at codon 2881 of the ATM protein (p.Gln2881Glu). This variant is not present in population databases (gnomAD no frequency). This variant has not been reported in the literature in individuals affected with ATM-related conditions. ClinVar contains an entry for this variant (Variation ID: 1764139). An algorithm developed to predict the effect of missense changes on protein structure and function (PolyPhen-2) suggests that this variant is likely to be tolerated. In summary, the available evidence is currently insufficient to determine the role of this variant in disease. Therefore, it has been classified as a Variant of Uncertain Significance.

Ambry Genetics
Classification: Uncertain significance for Hereditary cancer-predisposing syndrome. Last evaluated: 2021-04-05. Review status: criteria provided, single submitter. Criteria: Ambry Variant Classification Scheme 2023. Collection method: clinical testing. Allele origin: germline.
Comment: The p.Q2881E variant (also known as c.8641C>G), located in coding exon 58 of the ATM gene, results from a C to G substitution at nucleotide position 8641. The glutamine at codon 2881 is replaced by glutamic acid, an amino acid with highly similar properties. This amino acid position is well conserved in available vertebrate species. In addition, this alteration is predicted to be tolerated by in silico analysis. Since supporting evidence is limited at this time, the clinical significance of this alteration remains unclear.

NM_000051.4(ATM):c.8641C>G (p.Gln2881Glu)

Genes: ATM (ATM serine/threonine kinase; plus strand), C11orf65 (chromosome 11 open reading frame 65; minus strand). Cytogenetic location: 11q22.3.
Variant type: single nucleotide variant.
Coding change: c.8641C>G on transcript NM_000051.4 (MANE Select); coding-DNA position 8641, C replaced by G.
Protein change: p.Gln2881Glu; replaces glutamine 2881 with glutamic acid.
Molecular consequence: missense variant. On other transcripts: intron variant (2).
Genome position (GRCh38, 1-based): chr11:108,347,335, C>G. VCF-style: chr11-108347335-C-G. GRCh37 (hg19) VCF-style: chr11-108218062-C-G.
Other names: c.8641C>G, p.Gln2881Glu (NM_001351834.2); c.641-38264G>C (NM_001330368.2); c.695-12043G>C (NM_001351110.2); short protein forms Q2881E.
Identifiers: ClinVar variation 1764139 (VCV001764139.4), dbSNP rs1057520672, ClinGen allele CA382520965.